The following is an entry in ClinVar:

NM_004655.4(AXIN2):c.2260G>A (p.Ala754Thr)

Gene: AXIN2 (axin 2; minus strand). Cytogenetic location: 17q24.1.
Variant type: single nucleotide variant.
Coding change: c.2260G>A on transcript NM_004655.4 (MANE Select); coding-DNA position 2260, G replaced by A.
Protein change: p.Ala754Thr; replaces alanine 754 with threonine.
Molecular consequence: missense variant.
Genome position (GRCh38, 1-based): chr17:65,534,057, C>T on the plus strand (G>A on the coding strand, the complement: AXIN2 is on the minus strand). VCF-style: chr17-65534057-C-T. GRCh37 (hg19) VCF-style: chr17-63530175-C-T.
Other names: c.2065G>A, p.Ala689Thr (NM_001363813.1); short protein forms A689T, A754T.
Identifiers: ClinVar variation 1788630 (VCV001788630.2), dbSNP rs2144420206, ClinGen allele CA400675634.

ClinVar aggregate classification (germline): Uncertain significance (1 of 4 stars; one submission).

Conditions:
Hereditary cancer-predisposing syndrome. Also called: Hereditary Cancer Syndrome; Hereditary neoplastic syndrome; Tumor predisposition; Neoplastic Syndromes, Hereditary. Identifiers: Orphanet 140162, MedGen C0027672, MeSH D009386, MONDO:0015356.

Submission:

Ambry Genetics
Classification: Uncertain significance for Hereditary cancer-predisposing syndrome. Last evaluated: 2022-08-15. Review status: criteria provided, single submitter. Criteria: Ambry Variant Classification Scheme 2023. Collection method: clinical testing. Allele origin: germline.
Comment: The p.A754T variant (also known as c.2260G>A), located in coding exon 9 of the AXIN2 gene, results from a G to A substitution at nucleotide position 2260. The alanine at codon 754 is replaced by threonine, an amino acid with similar properties. This amino acid position is conserved. In addition, this alteration is predicted to be tolerated by in silico analysis. Since supporting evidence is limited at this time, the clinical significance of this alteration remains unclear.